The following is an entry in ClinVar:

ClinVar aggregate classification (germline): Uncertain significance (1 of 4 stars; one submission).

Conditions:
Hypertrophic cardiomyopathy. Also called: HYPERTROPHIC MYOCARDIOPATHY. Identifiers: Orphanet 217569, MedGen C0007194, MeSH D002312, MONDO:0005045, HP:0001639.

Submission:

Labcorp Genetics (formerly Invitae), Labcorp
Classification: Uncertain significance for Hypertrophic cardiomyopathy. Last evaluated: 2022-11-08. Review status: criteria provided, single submitter. Criteria: Invitae Variant Classification Sherloc (09022015). Collection method: clinical testing. Allele origin: germline.
Comment: In summary, the available evidence is currently insufficient to determine the role of this variant in disease. Therefore, it has been classified as a Variant of Uncertain Significance. Advanced modeling of protein sequence and biophysical properties (such as structural, functional, and spatial information, amino acid conservation, physicochemical variation, residue mobility, and thermodynamic stability) has been performed at Invitae for this missense variant, however the output from this modeling did not meet the statistical confidence thresholds required to predict the impact of this variant on MYOM1 protein function. ClinVar contains an entry for this variant (Variation ID: 1358049). This variant has not been reported in the literature in individuals affected with MYOM1-related conditions. This variant is not present in population databases (gnomAD no frequency). This sequence change replaces alanine, which is neutral and non-polar, with serine, which is neutral and polar, at codon 1629 of the MYOM1 protein (p.Ala1629Ser).

NM_003803.4(MYOM1):c.4885G>T (p.Ala1629Ser)

Gene: MYOM1 (myomesin 1; minus strand). Cytogenetic location: 18p11.31.
Variant type: single nucleotide variant.
Coding change: c.4885G>T on transcript NM_003803.4 (MANE Select); coding-DNA position 4885, G replaced by T.
Protein change: p.Ala1629Ser; replaces alanine 1629 with serine.
Molecular consequence: missense variant.
Genome position (GRCh38, 1-based): chr18:3,067,435, C>A on the plus strand (G>T on the coding strand, the complement: MYOM1 is on the minus strand). VCF-style: chr18-3067435-C-A. GRCh37 (hg19) VCF-style: chr18-3067433-C-A.
Other names: c.4597G>T, p.Ala1533Ser (NM_019856.2); short protein forms A1629S, A1533S.
Identifiers: ClinVar variation 1358049 (VCV001358049.6), dbSNP rs763189783, ClinGen allele CA401705150.